The following is an entry in ClinVar:

ClinVar aggregate classification (germline): Benign/Likely benign. Review status: criteria provided, multiple submitters, no conflicts (2 of 4 stars). 9 submissions from 9 submitters: Benign (2); Likely benign (4). 3 of the submissions do not count toward it. Last evaluated 2026-06-01.

Conditions:
CACNA1A-related disorder. Also called: CACNA1A-related condition.
Developmental and epileptic encephalopathy, 42 (DEE42A). Also called: Epileptic encephalopathy, early infantile, 42; DEVELOPMENTAL AND EPILEPTIC ENCEPHALOPATHY 42A; EPILEPTIC ENCEPHALOPATHY, EARLY INFANTILE, 42A. Identifiers: MedGen C4310716, MONDO:0014917, OMIM 617106.
Episodic ataxia type 2 (EA2). Also called: ACETAZOLAMIDE-RESPONSIVE HEREDITARY PAROXYSMAL CEREBELLAR ATAXIA; ATAXIA, EPISODIC, WITH NYSTAGMUS; ATAXIA, FAMILIAL PAROXYSMAL; CEREBELLAR ATAXIA, PAROXYSMAL, ACETAZOLAMIDE-RESPONSIVE; CEREBELLOPATHY, HEREDITARY PAROXYSMAL; EPISODIC ATAXIA, NYSTAGMUS-ASSOCIATED. Identifiers: Orphanet 97, MedGen C1720416, MONDO:0007163, OMIM 108500.
Inborn genetic diseases. Identifiers: MedGen C0950123, MeSH D030342.

Allele frequency attached by ClinVar (database versions not stated): 1000 Genomes Project 30x 0.00016; 1000 Genomes Project 0.00020; gnomAD 0.00023 and 0.00025; gnomAD exomes 0.00025 and 0.00027; TOPMed 0.00025; ExAC 0.00027.
gnomAD v4.1: 436 of 1,610,764 alleles (0.027%); highest among the groups gnomAD compares: Admixed American, 0.07%; 1 homozygote.

Submissions (9):

CeGaT Center for Human Genetics Tuebingen
Classification: Likely benign. Last evaluated: 2026-06-01. Review status: criteria provided, single submitter. Criteria: CeGaT Center For Human Genetics Tuebingen Variant Classification Criteria Version 2. Collection method: clinical testing. Allele origin: germline. Affected: yes. Observed: 9 variant alleles.
Comment: CACNA1A: BP4, BP7

Labcorp Genetics (formerly Invitae), Labcorp
Classification: Benign for Developmental and epileptic encephalopathy, 42; Episodic ataxia type 2. Last evaluated: 2026-01-30. Review status: criteria provided, single submitter. Criteria: Invitae Variant Classification Sherloc (09022015). Collection method: clinical testing. Allele origin: germline.

Blueprint Genetics
Classification: Likely benign. Last evaluated: 2024-09-02. Review status: criteria provided, single submitter. Criteria: ACMG Guidelines, 2015. Collection method: clinical testing. Allele origin: germline.

GeneDx
Classification: Likely benign. Last evaluated: 2020-12-28. Review status: criteria provided, single submitter. Criteria: GeneDx Variant Classification Process June 2021. Collection method: clinical testing. Allele origin: germline. Affected: yes.

Athena Diagnostics
Classification: Benign. Last evaluated: 2017-06-30. Review status: criteria provided, single submitter. Criteria: Athena Diagnostics Criteria. Collection method: clinical testing. Allele origin: germline.

Ambry Genetics
Classification: Likely benign for Inborn genetic diseases. Last evaluated: 2016-11-01. Review status: criteria provided, single submitter. Criteria: Ambry Variant Classification Scheme 2023. Collection method: clinical testing. Allele origin: germline.

PreventionGenetics, part of Exact Sciences
Classification: Likely benign for CACNA1A-related condition. Last evaluated: 2019-07-19. Review status: no assertion criteria provided. Collection method: clinical testing. Allele origin: germline. Not counted in ClinVar's aggregate classification.
Comment: This variant is classified as likely benign based on ACMG/AMP sequence variant interpretation guidelines (Richards et al. 2015 PMID: 25741868, with internal and published modifications).

Clinical Genetics DNA and cytogenetics Diagnostics Lab, Erasmus MC, Erasmus Medical Center
Classification: Likely benign. Review status: no assertion criteria provided. Collection method: clinical testing. Allele origin: germline. Affected: yes. Study: VKGL Data-share Consensus. Not counted in ClinVar's aggregate classification.

Genome Diagnostics Laboratory, University Medical Center Utrecht
Classification: Likely benign. Review status: no assertion criteria provided. Collection method: clinical testing. Allele origin: germline. Affected: yes. Study: VKGL Data-share Consensus. Not counted in ClinVar's aggregate classification.

NM_001127222.2(CACNA1A):c.4311G>A (p.Lys1437=)

Gene: CACNA1A (calcium voltage-gated channel subunit alpha1 A; minus strand). Cytogenetic location: 19p13.13.
Variant type: single nucleotide variant.
Coding change: c.4311G>A on transcript NM_001127222.2 (MANE Select); coding-DNA position 4311, G replaced by A.
Protein change: p.Lys1437=; no amino-acid change (lysine 1437 retained).
Molecular consequence: synonymous variant.
Genome position (GRCh38, 1-based): chr19:13,259,641, C>T on the plus strand (G>A on the coding strand, the complement: CACNA1A is on the minus strand). VCF-style: chr19-13259641-C-T. GRCh37 (hg19) VCF-style: chr19-13370455-C-T.
Other names: c.4323G>A, p.Lys1441= (NM_000068.4, NM_023035.3); c.4314G>A, p.Lys1438= (NM_001127221.2, NM_001174080.2); c.4311G>A (NM_001127222.1).
Identifiers: ClinVar variation 446925 (VCV000446925.59), dbSNP rs572036869, ClinGen allele CA9240034.